The following is an entry in ClinVar:

ClinVar aggregate classification (germline): Uncertain significance (1 of 4 stars; one submission).

gnomAD v4.1: 13 of 1,613,876 alleles (0.00081%); highest among the groups gnomAD compares: Admixed American, 0.0017%; no homozygotes.

Submission:

Labcorp Genetics (formerly Invitae), Labcorp
Classification: Uncertain significance. Last evaluated: 2024-02-23. Review status: criteria provided, single submitter. Criteria: Invitae Variant Classification Sherloc (09022015). Collection method: clinical testing. Allele origin: germline.
Comment: This sequence change replaces glutamine, which is neutral and polar, with arginine, which is basic and polar, at codon 831 of the ERBIN protein (p.Gln831Arg). This variant is present in population databases (rs143804809, gnomAD 0.02%). This variant has not been reported in the literature in individuals affected with ERBIN-related conditions. An algorithm developed to predict the effect of missense changes on protein structure and function (PolyPhen-2) suggests that this variant is likely to be tolerated. In summary, the available evidence is currently insufficient to determine the role of this variant in disease. Therefore, it has been classified as a Variant of Uncertain Significance.

NM_001253697.2(ERBIN):c.2492A>G (p.Gln831Arg)

Gene: ERBIN (erbb2 interacting protein; plus strand). Cytogenetic location: 5q12.3.
Variant type: single nucleotide variant.
Coding change: c.2492A>G on transcript NM_001253697.2 (MANE Select); coding-DNA position 2492, A replaced by G.
Protein change: p.Gln831Arg; replaces glutamine 831 with arginine.
Molecular consequence: missense variant.
Genome position (GRCh38, 1-based): chr5:66,053,810, A>G. VCF-style: chr5-66053810-A-G. GRCh37 (hg19) VCF-style: chr5-65349638-A-G.
Other names: c.2492A>G, p.Gln831Arg (NM_001006600.3, NM_001253698.2, NM_001253699.2 and 1 more transcripts); c.2480A>G, p.Gln827Arg (NM_001253701.2); short protein forms Q827R, Q831R.
Identifiers: ClinVar variation 3616729 (VCV003616729.2).